The following is an entry in ClinVar:

ClinVar aggregate classification (germline): Uncertain significance (1 of 4 stars; one submission).

gnomAD v4.1: 20 of 1,508,114 alleles (0.0013%); highest among the groups gnomAD compares: African/African-American, 0.0077%; no homozygotes.

Submission:

CeGaT Center for Human Genetics Tuebingen
Classification: Uncertain significance. Last evaluated: 2024-11-01. Review status: criteria provided, single submitter. Criteria: CeGaT Center For Human Genetics Tuebingen Variant Classification Criteria Version 2. Collection method: clinical testing. Allele origin: germline. Affected: yes. Observed: 1 variant allele.
Comment: CUX2: PM2, BP5

NM_015267.4(CUX2):c.82G>A (p.Ala28Thr)

Gene: CUX2 (cut like homeobox 2; plus strand). Cytogenetic location: 12q24.11.
Variant type: single nucleotide variant.
Coding change: c.82G>A on transcript NM_015267.4 (MANE Select); coding-DNA position 82, G replaced by A.
Protein change: p.Ala28Thr; replaces alanine 28 with threonine.
Molecular consequence: missense variant. On other transcripts: 5 prime UTR variant (1).
Genome position (GRCh38, 1-based): chr12:111,214,218, G>A. VCF-style: chr12-111214218-G-A. GRCh37 (hg19) VCF-style: chr12-111652022-G-A.
Other names: c.-105G>A (NM_001370598.1); short protein forms A28T.
Identifiers: ClinVar variation 3389392 (VCV003389392.14).